The following is an entry in ClinVar:

ClinVar aggregate classification (germline): Pathogenic (1 of 4 stars; one submission).

Conditions:
Early-infantile DEE. Also called: Early infantile epileptic encephalopathy; Ohtahara syndrome; Early infantile epileptic encephalopathy with suppression bursts. Identifiers: Orphanet 1934, MedGen C0393706, MONDO:0800491.

Submission:

Labcorp Genetics (formerly Invitae), Labcorp
Classification: Pathogenic for Early-infantile DEE. Last evaluated: 2021-11-15. Review status: criteria provided, single submitter. Criteria: Invitae Variant Classification Sherloc (09022015). Collection method: clinical testing. Allele origin: germline.
Comment: For these reasons, this variant has been classified as Pathogenic. This variant has not been reported in the literature in individuals affected with SCN8A-related conditions. This variant is not present in population databases (gnomAD no frequency). This sequence change creates a premature translational stop signal (p.Met1536Glyfs*22) in the SCN8A gene. It is expected to result in an absent or disrupted protein product. Loss-of-function variants in SCN8A are known to be pathogenic (PMID: 19254928, 32651551).

Literature cited by the submitters: PubMed 19254928; PubMed 32651551.

NM_001330260.2(SCN8A):c.4605_4606del (p.Met1536fs)

Gene: SCN8A (sodium voltage-gated channel alpha subunit 8; plus strand). Cytogenetic location: 12q13.13.
Variant type: Deletion.
Coding change: c.4605_4606del on transcript NM_001330260.2 (MANE Select); coding-DNA positions 4605 to 4606, 2 bases deleted (CA; older notation c.4605_4606delCA).
Protein change: p.Met1536fs; shifts the reading frame from methionine 1536.
Molecular consequence: frameshift variant.
Genome position (GRCh38, 1-based): chr12:51,794,451-51,794,452, CA deleted; deleting any 2 consecutive bases within chr12:51,794,450-51,794,452 gives the same sequence; the c. name uses the placement nearest the transcript's 3' end. VCF-style (leftmost placement, unchanged base first): chr12-51794449-AAC-A. GRCh37 (hg19) VCF-style: chr12-52188233-AAC-A.
Other names: c.4482_4483del, p.Met1495fs (NM_001177984.3, NM_001369788.1); c.4605_4606del, p.Met1536fs (NM_014191.4); short protein forms M1536fs, M1495fs.
Identifiers: ClinVar variation 1448037 (VCV001448037.7), dbSNP rs2138919187, ClinGen allele CA2573148734.